The following is an entry in ClinVar:

NM_001367823.1(ARHGEF18):c.968-76C>T

Gene: ARHGEF18 (Rho/Rac guanine nucleotide exchange factor 18; plus strand). Cytogenetic location: 19p13.2.
Variant type: single nucleotide variant.
Coding change: c.968-76C>T on transcript NM_001367823.1 (MANE Select); 76 bases into the intron before coding-DNA position 968, C replaced by T.
Molecular consequence: intron variant. On other transcripts: missense variant (1), 5 prime UTR variant (1).
Genome position (GRCh38, 1-based): chr19:7,440,268, C>T. VCF-style: chr19-7440268-C-T. GRCh37 (hg19) VCF-style: chr19-7505154-C-T.
Other names: c.166C>T, p.Arg56Trp (NM_001130955.2); c.-147C>T (NM_001367824.1); c.-71-76C>T (NM_015318.4); c.328C>T (NM_001130955.1); short protein forms R56W.
Identifiers: ClinVar variation 1417363 (VCV001417363.7), dbSNP rs576729791, ClinGen allele CA9136288.
Genomic context (GRCh38, chr19:7,440,268, plus strand): 5'-TTCTTGGATAACGAGCTGCTGACCTCCAAGATCCTGTCTGTGCTGCGGCCGCAGTCGGAG[C>T]GGGGCTTCCGCGCCGGGGACCTCCGCTACCCGACCCACTTTCTCAGCACCAACTCTGTCC-3'

ClinVar aggregate classification (germline): Uncertain significance. Review status: criteria provided, multiple submitters, no conflicts (2 of 4 stars). 3 submissions from 3 submitters: Uncertain significance (3). Last evaluated 2025-08-12.

Conditions:
Inborn genetic diseases. Identifiers: MedGen C0950123, MeSH D030342.

Allele frequency attached by ClinVar (database versions not stated): gnomAD exomes 0.00001; 1000 Genomes Project 0.00040; 1000 Genomes Project 30x 0.00047.
gnomAD v4.1: 20 of 1,559,390 alleles (0.0013%); highest among the groups gnomAD compares: Admixed American, 0.018%; no homozygotes.

Submissions (3):

Ambry Genetics
Classification: Uncertain significance for Inborn genetic diseases. Last evaluated: 2025-08-12. Review status: criteria provided, single submitter. Criteria: Ambry Variant Classification Scheme 2023. Collection method: clinical testing. Allele origin: germline.

Blueprint Genetics
Classification: Uncertain significance. Last evaluated: 2024-11-27. Review status: criteria provided, single submitter. Criteria: ACMG Guidelines, 2015. Collection method: clinical testing. Allele origin: germline.

Labcorp Genetics (formerly Invitae), Labcorp
Classification: Uncertain significance. Last evaluated: 2022-08-16. Review status: criteria provided, single submitter. Criteria: Invitae Variant Classification Sherloc (09022015). Collection method: clinical testing. Allele origin: germline.
Comment: This sequence change replaces arginine, which is basic and polar, with tryptophan, which is neutral and slightly polar, at codon 110 of the ARHGEF18 protein (p.Arg110Trp). This variant is present in population databases (rs576729791, gnomAD 0.002%). This variant has not been reported in the literature in individuals affected with ARHGEF18-related conditions. ClinVar contains an entry for this variant (Variation ID: 1417363). Algorithms developed to predict the effect of missense changes on protein structure and function are either unavailable or do not agree on the potential impact of this missense change (SIFT: "Deleterious"; PolyPhen-2: "Possibly Damaging"; Align-GVGD: "Class C0"). In summary, the available evidence is currently insufficient to determine the role of this variant in disease. Therefore, it has been classified as a Variant of Uncertain Significance.